The following is an entry in ClinVar:

NM_000038.6(APC):c.7068T>G (p.Thr2356=)

Gene: APC (APC regulator of Wnt signaling pathway; plus strand). Cytogenetic location: 5q22.2.
Variant type: single nucleotide variant.
Coding change: c.7068T>G on transcript NM_000038.6 (MANE Select); coding-DNA position 7068, T replaced by G.
Protein change: p.Thr2356=; no amino-acid change (threonine 2356 retained).
Molecular consequence: synonymous variant. On other transcripts: non-coding transcript variant (2).
Genome position (GRCh38, 1-based): chr5:112,842,662, T>G. VCF-style: chr5-112842662-T-G. GRCh37 (hg19) VCF-style: chr5-112178359-T-G.
Other names: c.7068T>G, p.Thr2356= (NM_001127510.3, NM_001354895.2, NM_001407450.1); c.7014T>G, p.Thr2338= (NM_001127511.3); c.7122T>G, p.Thr2374= (NM_001354896.2, NM_001407447.1, NM_001407448.1 and 1 more transcripts); c.7098T>G, p.Thr2366= (NM_001354897.2); c.6993T>G, p.Thr2331= (NM_001354898.2); c.6984T>G, p.Thr2328= (NM_001354899.2); c.6945T>G, p.Thr2315= (NM_001354900.2); c.6891T>G, p.Thr2297= (NM_001354901.2, NM_001407453.1); and 11 more.
Identifiers: ClinVar variation 3254041 (VCV003254041.3), dbSNP rs2533765868.

ClinVar aggregate classification (germline): Benign/Likely benign. Review status: criteria provided, multiple submitters, no conflicts (2 of 4 stars). 3 submissions from 3 submitters: Benign (1); Likely benign (2). Last evaluated 2025-12-29.

Conditions:
Classic or attenuated familial adenomatous polyposis. Identifiers: MedGen CN372698, MONDO:0021057.
Familial adenomatous polyposis 1 (FAP1). Also called: FAMILIAL ADENOMATOUS POLYPOSIS 1, ATTENUATED; POLYPOSIS, ADENOMATOUS INTESTINAL. Identifiers: MedGen C2713442, MONDO:0021056, OMIM 175100. Disease mechanism: loss of function.

Submissions (3):

Center for Genomic Medicine, Rigshospitalet, Copenhagen University Hospital
Classification: Likely benign. Last evaluated: 2025-12-29. Review status: criteria provided, single submitter. Criteria: ACMG Guidelines, 2015. Collection method: clinical testing. Allele origin: germline.
Comment: Classification criteria: BP4, BP7

All of Us Research Program, National Institutes of Health
Classification: Likely benign for Classic or attenuated familial adenomatous polyposis. Last evaluated: 2024-05-14. Review status: criteria provided, single submitter. Criteria: ACMG Guidelines, 2015. Collection method: clinical testing. Allele origin: germline. Inheritance: Autosomal dominant inheritance. Observed: 1 variant allele, 1 heterozygote.
Comment: This study involves interpretation of variants in research participants for the purpose of population health screening. Participant phenotype was not available at the time of variant classification. Additional details can be found in publication PMID: 35346344, PMCID: PMC8962531

Myriad Genetics, Inc.
Classification: Benign for Familial adenomatous polyposis 1. Last evaluated: 2024-04-08. Review status: criteria provided, single submitter. Criteria: Myriad Autosomal Dominant, Autosomal Recessive and X-Linked Classification Criteria (2023). Collection method: clinical testing. Allele origin: unknown.
Comment: This variant is considered benign. This variant is a silent/synonymous amino acid change and it is not expected to impact splicing.